The following is an entry in ClinVar:

ClinVar aggregate classification (germline): Uncertain significance (1 of 4 stars; one submission).

Submission:

Ambry Genetics
Classification: Uncertain significance. Last evaluated: 2022-01-05. Review status: criteria provided, single submitter. Criteria: Ambry Variant Classification Scheme 2023. Collection method: clinical testing. Allele origin: germline.
Comment: The p.R786W variant (also known as c.2356A>T), located in coding exon 14 of the FBXO38 gene, results from an A to T substitution at nucleotide position 2356. The arginine at codon 786 is replaced by tryptophan, an amino acid with dissimilar properties. This amino acid position is well conserved in available vertebrate species. In addition, this alteration is predicted to be tolerated by in silico analysis. Since supporting evidence is limited at this time, the clinical significance of this alteration remains unclear.

NM_205836.3(FBXO38):c.2356A>T (p.Arg786Trp)

Gene: FBXO38 (F-box protein 38; plus strand). Cytogenetic location: 5q32.
Variant type: single nucleotide variant.
Coding change: c.2356A>T on transcript NM_205836.3 (MANE Select); coding-DNA position 2356, A replaced by T.
Protein change: p.Arg786Trp; replaces arginine 786 with tryptophan.
Molecular consequence: missense variant. On other transcripts: intron variant (1).
Genome position (GRCh38, 1-based): chr5:148,427,650, A>T. VCF-style: chr5-148427650-A-T. GRCh37 (hg19) VCF-style: chr5-147807213-A-T.
Other names: c.2356A>T, p.Arg786Trp (NM_030793.5); c.1918+1949A>T (NM_001271723.2); short protein forms R786W.
Identifiers: ClinVar variation 1790075 (VCV001790075.2), dbSNP rs2531811804, ClinGen allele CA361657611.